The following is an entry in ClinVar:

NM_001458.5(FLNC):c.602-1G>A

Gene: FLNC (filamin C; plus strand). Cytogenetic location: 7q32.1.
Variant type: single nucleotide variant.
Coding change: c.602-1G>A on transcript NM_001458.5 (MANE Select); the canonical splice acceptor site of the intron before coding-DNA position 602, G replaced by A.
Molecular consequence: splice acceptor variant.
Genome position (GRCh38, 1-based): chr7:128,837,159, G>A. VCF-style: chr7-128837159-G-A. GRCh37 (hg19) VCF-style: chr7-128477213-G-A.
Other names: c.602-1G>A (NM_001127487.2).
Identifiers: ClinVar variation 3544411 (VCV003544411.2).
Genomic context (GRCh38, chr7:128,837,159, plus strand): 5'-TGCCCTGCATCCTGGCCGGCTGGCTGCCCCTCACCATCGTCTCCCTCCATCACCTCTCCA[G>A]GTCTCTGCCCCGACTGGGAGGCCTGGGACCCCAACCAGCCCGTGGAGAACGCCCGGGAGG-3'

ClinVar aggregate classification (germline): Likely pathogenic (1 of 4 stars; one submission).

Conditions:
Hypertrophic cardiomyopathy 26. Also called: Cardiomyopathy, familial hypertrophic, 26. Identifiers: Orphanet 75249, MedGen C4310749, MONDO:0014883, OMIM 617047.

Submission:

Molecular Genetics Laboratory, Motol Hospital
Classification: Likely pathogenic for Hypertrophic cardiomyopathy 26. Last evaluated: 2025-01-08. Review status: criteria provided, single submitter. Criteria: ACMG Guidelines, 2015. Collection method: clinical testing. Allele origin: germline. Affected: yes. Observed: 1 variant allele.
Comment: null (splicing) variant in a gene where loss of function is a known mechanism of disease (PVS1), variant not present in gnomAD general population (v4.1.0) (PM2); ACMG PVS1, PM2